The following is an entry in ClinVar:

NM_018139.3(DNAAF2):c.212A>T (p.His71Leu)

Gene: DNAAF2 (dynein axonemal assembly factor 2; minus strand). Cytogenetic location: 14q21.3.
Variant type: single nucleotide variant.
Coding change: c.212A>T on transcript NM_018139.3 (MANE Select); coding-DNA position 212, A replaced by T.
Protein change: p.His71Leu; replaces histidine 71 with leucine.
Molecular consequence: missense variant.
Genome position (GRCh38, 1-based): chr14:49,634,938, T>A on the plus strand (A>T on the coding strand, the complement: DNAAF2 is on the minus strand). VCF-style: chr14-49634938-T-A. GRCh37 (hg19) VCF-style: chr14-50101656-T-A.
Other names: c.212A>T, p.His71Leu (NM_001083908.2); short protein forms H71L.
Identifiers: ClinVar variation 3840684 (VCV003840684.2).

ClinVar aggregate classification (germline): Uncertain significance (1 of 4 stars; one submission).

Conditions:
Primary ciliary dyskinesia. Also called: Ciliary dyskinesia. Identifiers: Orphanet 244, MedGen C0008780, MONDO:0016575, HP:0012265.

Submission:

Ambry Genetics
Classification: Uncertain significance for Primary ciliary dyskinesia. Last evaluated: 2026-07-19. Review status: criteria provided, single submitter. Criteria: Ambry Variant Classification Scheme 2023. Collection method: clinical testing. Allele origin: germline.
Comment: The p.H71L variant (also known as c.212A>T), located in coding exon 1 of the DNAAF2 gene, results from an A to T substitution at nucleotide position 212. The histidine at codon 71 is replaced by leucine, an amino acid with similar properties. This amino acid position is conserved. In addition, the in silico prediction for this alteration is inconclusive. Based on the available evidence, the clinical significance of this variant remains unclear.